The following is an entry in ClinVar:

ClinVar aggregate classification (germline): Uncertain significance. Review status: criteria provided, multiple submitters, no conflicts (2 of 4 stars). 2 submissions from 2 submitters: Uncertain significance (2). Last evaluated 2025-08-28.

Conditions:
Inborn genetic diseases. Identifiers: MedGen C0950123, MeSH D030342.
Autosomal recessive limb-girdle muscular dystrophy type R18 (LGMDR18). Also called: Autosomal recessive limb-girdle muscular dystrophy type 2S; Limb-girdle muscular dystrophy, type 2S; MUSCULAR DYSTROPHY, LIMB-GIRDLE, AUTOSOMAL RECESSIVE 18. Identifiers: Orphanet 369840, MedGen C4517996, MONDO:0014144, OMIM 615356.

Allele frequency attached by ClinVar (database versions not stated): ESP Exome Variant Server 0.00008.
gnomAD v4.1: 45 of 1,612,700 alleles (0.0028%); highest among the groups gnomAD compares: Admixed American, 0.013%; no homozygotes.

Submissions (2):

Ambry Genetics
Classification: Uncertain significance for Inborn genetic diseases. Last evaluated: 2025-08-28. Review status: criteria provided, single submitter. Criteria: Ambry Variant Classification Scheme 2023. Collection method: clinical testing. Allele origin: germline.

Labcorp Genetics (formerly Invitae), Labcorp
Classification: Uncertain significance for Autosomal recessive limb-girdle muscular dystrophy type R18. Last evaluated: 2022-11-01. Review status: criteria provided, single submitter. Criteria: Invitae Variant Classification Sherloc (09022015). Collection method: clinical testing. Allele origin: germline.
Comment: This sequence change replaces asparagine, which is neutral and polar, with histidine, which is basic and polar, at codon 693 of the TRAPPC11 protein (p.Asn693His). This variant is present in population databases (rs374682349, gnomAD 0.02%). This variant has not been reported in the literature in individuals affected with TRAPPC11-related conditions. ClinVar contains an entry for this variant (Variation ID: 1490619). Advanced modeling of protein sequence and biophysical properties (such as structural, functional, and spatial information, amino acid conservation, physicochemical variation, residue mobility, and thermodynamic stability) performed at Invitae indicates that this missense variant is not expected to disrupt TRAPPC11 protein function. In summary, the available evidence is currently insufficient to determine the role of this variant in disease. Therefore, it has been classified as a Variant of Uncertain Significance.

NM_021942.6(TRAPPC11):c.2077A>C (p.Asn693His)

Gene: TRAPPC11 (trafficking protein particle complex subunit 11; plus strand). Cytogenetic location: 4q35.1.
Variant type: single nucleotide variant.
Coding change: c.2077A>C on transcript NM_021942.6 (MANE Select); coding-DNA position 2077, A replaced by C.
Protein change: p.Asn693His; replaces asparagine 693 with histidine.
Molecular consequence: missense variant.
Genome position (GRCh38, 1-based): chr4:183,692,987, A>C. VCF-style: chr4-183692987-A-C. GRCh37 (hg19) VCF-style: chr4-184614140-A-C.
Other names: c.2077A>C, p.Asn693His (NM_199053.3); c.2077A>C (NM_021942.4); short protein forms N693H.
Identifiers: ClinVar variation 1490619 (VCV001490619.5), dbSNP rs374682349, ClinGen allele CA3152102.